The following is an entry in ClinVar:

ClinVar aggregate classification (germline): Uncertain significance. Review status: criteria provided, multiple submitters, no conflicts (2 of 4 stars). 2 submissions from 2 submitters: Uncertain significance (2). Last evaluated 2024-03-25.

gnomAD v4.1: 7 of 1,613,900 alleles (0.00043%); highest among the groups gnomAD compares: East Asian, 0.0045%; no homozygotes.

Submissions (2):

Women's Health and Genetics/Laboratory Corporation of America, LabCorp
Classification: Uncertain significance. Last evaluated: 2024-03-25. Review status: criteria provided, single submitter. Criteria: LabCorp Variant Classification Summary - May 2015. Collection method: clinical testing. Allele origin: germline.
Comment: Variant summary: CNGB3 c.11C>T (p.Ser4Leu) results in a non-conservative amino acid change in the encoded protein sequence. Four of five in-silico tools predict a benign effect of the variant on protein function. The variant allele was found at a frequency of 1.2e-05 in 251436 control chromosomes (gnomAD). The available data on variant occurrences in the general population are insufficient to allow any conclusion about variant significance. To our knowledge, no occurrence of c.11C>T in individuals affected with Achromatopsia and no experimental evidence demonstrating its impact on protein function have been reported. ClinVar contains an entry for this variant (Variation ID: 493483). Based on the evidence outlined above, the variant was classified as uncertain significance.

CeGaT Center for Human Genetics Tuebingen
Classification: Uncertain significance. Last evaluated: 2017-07-01. Review status: criteria provided, single submitter. Criteria: CeGaT Center For Human Genetics Tuebingen Variant Classification Criteria Version 2. Collection method: clinical testing. Allele origin: germline. Affected: yes. Observed: 1 variant allele.

NM_019098.5(CNGB3):c.11C>T (p.Ser4Leu)

Gene: CNGB3 (cyclic nucleotide gated channel subunit beta 3; minus strand). Cytogenetic location: 8q21.3.
Variant type: single nucleotide variant.
Coding change: c.11C>T on transcript NM_019098.5 (MANE Select); coding-DNA position 11, C replaced by T.
Protein change: p.Ser4Leu; replaces serine 4 with leucine.
Molecular consequence: missense variant.
Genome position (GRCh38, 1-based): chr8:86,743,617, G>A on the plus strand (C>T on the coding strand, the complement: CNGB3 is on the minus strand). VCF-style: chr8-86743617-G-A. GRCh37 (hg19) VCF-style: chr8-87755845-G-A.
Other names: short protein forms S4L.
Identifiers: ClinVar variation 493483 (VCV000493483.45), dbSNP rs376711003, ClinGen allele CA4800550.
Genomic context (GRCh38, chr8:86,743,617, plus strand): 5'-GAACTTTGTTCATTCTCATTGTTCTCTCCTATAGGCTTCACCTTGTTGACTTTTGTCAGC[G>A]ATTTAAACATCTTCTCTGAGGTGGTTCTGAAAACCCTCTGTATTTATGACTGTGCCTTAA-3'
Protein context (NP_061971.3, residues 1-14): MFK[Ser4Leu]LTKVNKVKPI